The following is an entry in ClinVar:

NM_001211.6(BUB1B):c.462C>G (p.Phe154Leu)

Gene: BUB1B (BUB1 mitotic checkpoint serine/threonine kinase B; plus strand). Cytogenetic location: 15q15.1.
Variant type: single nucleotide variant.
Coding change: c.462C>G on transcript NM_001211.6 (MANE Select); coding-DNA position 462, C replaced by G.
Protein change: p.Phe154Leu; replaces phenylalanine 154 with leucine.
Molecular consequence: missense variant.
Genome position (GRCh38, 1-based): chr15:40,176,554, C>G. VCF-style: chr15-40176554-C-G. GRCh37 (hg19) VCF-style: chr15-40468755-C-G.
Other names: short protein forms F154L.
Identifiers: ClinVar variation 2565466 (VCV002565466.2), dbSNP rs2542524099, ClinGen allele CA391681211.
Genomic context (GRCh38, chr15:40,176,554, plus strand): 5'-GCCTTTGGATATGTACAGTTACTTGCACAACCAAGGGATTGGTGTTTCACTTGCTCAGTT[C>G]TATATCTCATGGGCAGAAGAATATGAAGCTAGAGAAAACTTTAGGAAAGCAGATGCGATA-3'
Protein context (NP_001202.5, residues 144-164): NQGIGVSLAQ[Phe154Leu]YISWAEEYEA

ClinVar aggregate classification (germline): Uncertain significance (1 of 4 stars; one submission).

Conditions:
Inborn genetic diseases. Identifiers: MedGen C0950123, MeSH D030342.

Submission:

Ambry Genetics
Classification: Uncertain significance for Inborn genetic diseases. Last evaluated: 2023-05-18. Review status: criteria provided, single submitter. Criteria: Ambry Variant Classification Scheme 2023. Collection method: clinical testing. Allele origin: germline.
Comment: The p.F154L variant (also known as c.462C>G), located in coding exon 5 of the BUB1B gene, results from a C to G substitution at nucleotide position 462. The phenylalanine at codon 154 is replaced by leucine, an amino acid with highly similar properties. This amino acid position is conserved. In addition, this alteration is predicted to be tolerated by in silico analysis. Since supporting evidence is limited at this time, the clinical significance of this alteration remains unclear.